The following is an entry in ClinVar:

ClinVar aggregate classification (germline): Benign (1 of 4 stars; one submission).

Allele frequency attached by ClinVar (database versions not stated): 1000 Genomes Project 0.03175; 1000 Genomes Project 30x 0.03264; TOPMed 0.03602; gnomAD 0.03713 and 0.03948.
gnomAD v4.1: 5,696 of 152,266 alleles (3.7%); highest among the groups gnomAD compares: African/African-American, 6.8%; 146 homozygotes.

Submission:

GeneDx
Classification: Benign. Last evaluated: 2018-06-14. Review status: criteria provided, single submitter. Criteria: GeneDx Variant Classification (06012015). Collection method: clinical testing. Allele origin: germline. Affected: yes.
Comment: This variant is considered likely benign or benign based on one or more of the following criteria: it is a conservative change, it occurs at a poorly conserved position in the protein, it is predicted to be benign by multiple in silico algorithms, and/or has population frequency not consistent with disease.

NM_000093.5(COL5A1):c.278-224T>C

Gene: COL5A1 (collagen type V alpha 1 chain; plus strand). Cytogenetic location: 9q34.3.
Variant type: single nucleotide variant.
Coding change: c.278-224T>C on transcript NM_000093.5 (MANE Select); 224 bases into the intron before coding-DNA position 278, T replaced by C.
Molecular consequence: intron variant.
Genome position (GRCh38, 1-based): chr9:134,699,685, T>C. VCF-style: chr9-134699685-T-C. GRCh37 (hg19) VCF-style: chr9-137591531-T-C.
Other names: c.278-224T>C (NM_001278074.1).
Identifiers: ClinVar variation 679058 (VCV000679058.1), dbSNP rs79433864, ClinGen allele CA201085690.
Genomic context (GRCh38, chr9:134,699,685, plus strand): 5'-TGAGGGCAGGGTGTTGAGGGCTCCCAGCTGGAAGGACCAGTTGTGTTTCATGGAGGAGTT[T>C]GCATTTGCACTGAGTCTTGAAGGGGGCAGGTTTGGCCAAGTGGGAGCAGGGAAGGGCTGC-3'